The following is an entry in ClinVar:

ClinVar aggregate classification (germline): Pathogenic (1 of 4 stars; one submission).

Allele frequency attached by ClinVar (database versions not stated): ExAC 0.00001.
gnomAD v4.1: 2 of 1,613,932 alleles (0.00012%); highest among the groups gnomAD compares: Admixed American, 0.0033%; no homozygotes.

Submission:

Labcorp Genetics (formerly Invitae), Labcorp
Classification: Pathogenic. Last evaluated: 2023-11-13. Review status: criteria provided, single submitter. Criteria: Invitae Variant Classification Sherloc (09022015). Collection method: clinical testing. Allele origin: germline.
Comment: This sequence change creates a premature translational stop signal (p.Gln191*) in the ADSSL1 gene. It is expected to result in an absent or disrupted protein product. Loss-of-function variants in ADSSL1 are known to be pathogenic (PMID: 26506222). This variant is present in population databases (rs781756056, gnomAD 0.006%). This variant has not been reported in the literature in individuals affected with ADSSL1-related conditions. Algorithms developed to predict the effect of sequence changes on RNA splicing suggest that this variant may disrupt the consensus splice site. For these reasons, this variant has been classified as Pathogenic.

Literature cited by the submitters: PubMed 26506222.

NM_152328.5(ADSS1):c.442C>T (p.Gln148Ter)

Gene: ADSS1 (adenylosuccinate synthase 1; plus strand). Cytogenetic location: 14q32.33.
Variant type: single nucleotide variant.
Coding change: c.442C>T on transcript NM_152328.5 (MANE Select); coding-DNA position 442, C replaced by T.
Protein change: p.Gln148Ter; replaces glutamine 148 with a stop codon.
Molecular consequence: nonsense. On other transcripts: 5 prime UTR variant (1).
Genome position (GRCh38, 1-based): chr14:104,739,782, C>T. VCF-style: chr14-104739782-C-T. GRCh37 (hg19) VCF-style: chr14-105206119-C-T.
Other names: c.-174C>T (NM_001320424.1); c.571C>T, p.Gln191Ter (NM_199165.2); short protein forms Q148*, Q191*.
Identifiers: ClinVar variation 2997842 (VCV002997842.3), dbSNP rs781756056, ClinGen allele CA7373691.